The following is an entry in ClinVar:

NM_000159.4(GCDH):c.914C>T (p.Ser305Leu)

Gene: GCDH (glutaryl-CoA dehydrogenase; plus strand). Cytogenetic location: 19p13.13.
Variant type: single nucleotide variant.
Coding change: c.914C>T on transcript NM_000159.4 (MANE Select); coding-DNA position 914, C replaced by T.
Protein change: p.Ser305Leu; replaces serine 305 with leucine.
Molecular consequence: missense variant. On other transcripts: non-coding transcript variant (2).
Genome position (GRCh38, 1-based): chr19:12,896,971, C>T. VCF-style: chr19-12896971-C-T. GRCh37 (hg19) VCF-style: chr19-13007785-C-T.
Other names: c.914C>T, p.Ser305Leu (NM_013976.5); short protein forms S305L.
Identifiers: ClinVar variation 581598 (VCV000581598.24), dbSNP rs1260580183, ClinGen allele CA404319459.

ClinVar aggregate classification (germline): Pathogenic/Likely pathogenic. Review status: criteria provided, multiple submitters, no conflicts (2 of 4 stars). 9 submissions from 9 submitters: Pathogenic (7); Likely pathogenic (2). Last evaluated 2025-09-16.

Conditions:
Glutaric aciduria, type 1. Also called: Glutaryl-CoA dehydrogenase deficiency; Glutaricaciduria, type I; GA I; Glutaric acidemia type I; Glutaric Acidemia Type 1; Glutaricacidemia Type 1. Identifiers: Orphanet 25, MedGen C0268595, MONDO:0009281, OMIM 231670.

Allele frequency attached by ClinVar (database versions not stated): gnomAD exomes below 0.00001 and 0.00001; TOPMed below 0.00001; gnomAD 0.00001.
gnomAD v4.1: 9 of 1,612,906 alleles (0.00056%); highest among the groups gnomAD compares: East Asian, 0.0022%; no homozygotes.

Submissions (9):

Natera, Inc.
Classification: Pathogenic for Glutaric acidemia type 1. Last evaluated: 2025-09-16. Review status: criteria provided, single submitter. Criteria: Natera Variant Classification Schema (03/2026). Collection method: clinical testing. Allele origin: germline.
Comment: The c.914C>T variant in GCDH is a missense variant predicted to cause substitution of serine to leucine at amino acid 305. This variant is rare in the general population with a frequency below the threshold expected for the associated phenotype(s). This variant has been observed in one or more individuals affected with the associated recessive disease, as either homozygous or compound heterozygous with a second variant (PMID: 8900228, 35367405, 9856558, 24332224, 23395213). Computational prediction algorithms indicate this variant is likely to affect gene or protein function. Given the available evidence, this variant is classified as Pathogenic.

First Genomix Gene Laboratory, Genetic Diagnostics Department
Classification: Pathogenic for Glutaric aciduria, type 1. Last evaluated: 2025-07-15. Review status: criteria provided, single submitter. Criteria: ACMG Guidelines, 2015. Collection method: clinical testing. Allele origin: germline. Inheritance: Autosomal recessive inheritance. Affected: no. Observed: 1 variant allele.

Genomic Medicine Center of Excellence, King Faisal Specialist Hospital and Research Centre
Classification: Pathogenic for Glutaric aciduria, type 1. Last evaluated: 2024-03-17. Review status: criteria provided, single submitter. Criteria: ACMG Guidelines, 2015. Collection method: research. Allele origin: germline.

Fulgent Genetics
Classification: Likely pathogenic for Glutaric aciduria, type 1. Last evaluated: 2024-01-11. Review status: criteria provided, single submitter. Criteria: ACMG Guidelines, 2015. Collection method: clinical testing. Allele origin: germline.

Labcorp Genetics (formerly Invitae), Labcorp
Classification: Pathogenic for Glutaric aciduria, type 1. Last evaluated: 2023-11-24. Review status: criteria provided, single submitter. Criteria: Invitae Variant Classification Sherloc (09022015). Collection method: clinical testing. Allele origin: germline.
Comment: This sequence change replaces serine, which is neutral and polar, with leucine, which is neutral and non-polar, at codon 305 of the GCDH protein (p.Ser305Leu). This variant is present in population databases (no rsID available, gnomAD 0.006%). This missense change has been observed in individuals with glutaric acidemia type I (PMID: 8900228, 9856558, 21176883, 22728054, 23395213). It has also been observed to segregate with disease in related individuals. ClinVar contains an entry for this variant (Variation ID: 581598). Advanced modeling of protein sequence and biophysical properties (such as structural, functional, and spatial information, amino acid conservation, physicochemical variation, residue mobility, and thermodynamic stability) performed at Invitae indicates that this missense variant is not expected to disrupt GCDH protein function with a negative predictive value of 80%. For these reasons, this variant has been classified as Pathogenic.

GeneDx
Classification: Likely pathogenic. Last evaluated: 2023-06-01. Review status: criteria provided, single submitter. Criteria: GeneDx Variant Classification Process June 2021. Collection method: clinical testing. Allele origin: germline. Affected: yes.
Comment: Not observed at significant frequency in large population cohorts (gnomAD); In silico analysis supports that this missense variant does not alter protein structure/function; This variant is associated with the following publications: (PMID: 21176883, 8900228, 23395213, 24332224, 9856558, 31589614, 22728054, 35367405, 33514801)

Women's Health and Genetics/Laboratory Corporation of America, LabCorp
Classification: Pathogenic for Glutaric aciduria, type 1. Last evaluated: 2017-10-30. Review status: criteria provided, single submitter. Criteria: LabCorp Variant Classification Summary - May 2015. Collection method: clinical testing. Allele origin: germline.
Comment: Variant summary: The GCDH c.914C>T (p.Ser305Leu) variant located in the Acyl-CoA dehydrogenase/oxidase C-terminal (via InterPro) involves the alteration of a conserved nucleotide and 4/4 in silico tools predict a damaging outcome for this variant (SNPsandGO not captured due to low reliability index). However, these predictions have yet to be functionally assessed. This variant was found in 1/245296 control chromosomes (gnomAD) at a frequency of 0.0000041, which does not exceed the estimated maximal expected allele frequency of a pathogenic GCDH variant (0.0035355). Multiple publications have cited the variant in compound heterozygote and homozygote pts. A clinical diagnostic laboratory cites the variant with a classification of "pathogenic." Taken together, this variant is classified as pathogenic.

Juno Genomics, Hangzhou Juno Genomics, Inc
Classification: Pathogenic for Glutaric aciduria, type 1. Review status: criteria provided, single submitter. Criteria: ACMG Guidelines, 2015. Collection method: clinical testing. Allele origin: germline.
Comment: Absent from controls (or at extremely low frequency if recessive) in Genome Aggregation Database.;Multiple lines of computational evidence support a deleterious effect on the gene or gene product.;For recessive disorders, detected in trans with a pathogenic variant.;Patient's phenotype or family history is highly specific for a disease with a single genetic etiology.

Neuberg Centre For Genomic Medicine, NCGM
Classification: Pathogenic for Glutaric aciduria, type 1. Review status: criteria provided, single submitter. Criteria: ACMG Guidelines, 2015. Collection method: clinical testing. Allele origin: germline. Inheritance: Autosomal recessive inheritance. Affected: yes.
Comment: The missense variant c.914C>T (p.Ser305Leu) in GCDH gene has been reported to segregate with glutaric acidemia type I in families and has also been reported in several affected individuals (Viau K et.al.,2012). This variant has been reported to the ClinVar database as Pathogenic . The p.Ser305Leu variant is novel (not in any individuals) in 1000 Genomes and allele frequency of 0.0003994% is reported in gnomAD. The amino acid Ser at position 305 is changed to a Leu changing protein sequence and it might alter its composition and physico-chemical properties. The variant is predicted to be damaging by both SIFT and PolyPhen2. The residue is conserved across species. The amino acid change p.Ser305Leu in GCDH is predicted as conserved by GERP++ and PhyloP across 100 vertebrates. For these reasons, this variant has been classified as Pathogenic.

Literature cited by the submitters: PubMed 8900228 (cited by 3 submitters); PubMed 35367405 (cited by Natera, Inc.); PubMed 9856558 (cited by Natera, Inc. and Labcorp Genetics (formerly Invitae), Labcorp); PubMed 24332224 (cited by Natera, Inc.); PubMed 23395213 (cited by Natera, Inc. and Labcorp Genetics (formerly Invitae), Labcorp); PubMed 21176883 (cited by Labcorp Genetics (formerly Invitae), Labcorp and Women's Health and Genetics/Laboratory Corporation of America, LabCorp); PubMed 22728054 (cited by Labcorp Genetics (formerly Invitae), Labcorp).